The following is an entry in ClinVar:

NM_005045.4(RELN):c.8027G>A (p.Ser2676Asn)

Gene: RELN (reelin; minus strand). Cytogenetic location: 7q22.1.
Variant type: single nucleotide variant.
Coding change: c.8027G>A on transcript NM_005045.4 (MANE Select); coding-DNA position 8027, G replaced by A.
Protein change: p.Ser2676Asn; replaces serine 2676 with asparagine.
Molecular consequence: missense variant.
Genome position (GRCh38, 1-based): chr7:103,515,277, C>T on the plus strand (G>A on the coding strand, the complement: RELN is on the minus strand). VCF-style: chr7-103515277-C-T. GRCh37 (hg19) VCF-style: chr7-103155724-C-T.
Other names: c.8027G>A, p.Ser2676Asn (NM_173054.3); short protein forms S2676N.
Identifiers: ClinVar variation 2940360 (VCV002940360.3), dbSNP rs1829534533, ClinGen allele CA368762956.
Genomic context (GRCh38, chr7:103,515,277, plus strand): 5'-GCGATCCTCCCGACAGGGCCGGCATCTGCAGGGGAGCGCTCATGCTGGGGTACTGGGGCG[C>T]TGCTGAAGGTGTCCAGCATAACGGTCCTTTGGTCAGCAGAGCCTGAGATGAGGACATTGT-3'
Protein context (NP_005036.2, residues 2666-2686): QRTVMLDTFS[Ser2676Asn]APVPQHERSP

ClinVar aggregate classification (germline): Uncertain significance (1 of 4 stars; one submission).

Conditions:
Norman-Roberts syndrome (LIS2). Also called: Lissencephaly 2 (Norman-Roberts type). Identifiers: Orphanet 89844, MedGen C0796089, MONDO:0009760, OMIM 257320.
Familial temporal lobe epilepsy 7. Identifiers: Orphanet 101046, MedGen C4225327, MONDO:0014639, OMIM 616436.

Submission:

Labcorp Genetics (formerly Invitae), Labcorp
Classification: Uncertain significance for Familial temporal lobe epilepsy 7; Norman-Roberts syndrome. Last evaluated: 2023-03-22. Review status: criteria provided, single submitter. Criteria: Invitae Variant Classification Sherloc (09022015). Collection method: clinical testing. Allele origin: germline.
Comment: In summary, the available evidence is currently insufficient to determine the role of this variant in disease. Therefore, it has been classified as a Variant of Uncertain Significance. Advanced modeling of protein sequence and biophysical properties (such as structural, functional, and spatial information, amino acid conservation, physicochemical variation, residue mobility, and thermodynamic stability) performed at Invitae indicates that this missense variant is not expected to disrupt RELN protein function. This variant has not been reported in the literature in individuals affected with RELN-related conditions. This variant is not present in population databases (gnomAD no frequency). This sequence change replaces serine, which is neutral and polar, with asparagine, which is neutral and polar, at codon 2676 of the RELN protein (p.Ser2676Asn).